The following is an entry in ClinVar:

ClinVar aggregate classification (germline): Uncertain significance (1 of 4 stars; one submission).

Allele frequency attached by ClinVar (database versions not stated): gnomAD exomes below 0.00001; gnomAD 0.00003; TOPMed 0.00003.
gnomAD v4.1: 8 of 1,340,148 alleles (0.0006%); highest among the groups gnomAD compares: African/African-American, 0.0093%; no homozygotes.

Submission:

Labcorp Genetics (formerly Invitae), Labcorp
Classification: Uncertain significance. Last evaluated: 2022-03-09. Review status: criteria provided, single submitter. Criteria: Invitae Variant Classification Sherloc (09022015). Collection method: clinical testing. Allele origin: germline.
Comment: This variant has not been reported in the literature in individuals affected with SHANK1-related conditions. This variant is present in population databases (no rsID available, gnomAD 0.01%). This sequence change replaces arginine, which is basic and polar, with tryptophan, which is neutral and slightly polar, at codon 1418 of the SHANK1 protein (p.Arg1418Trp). In summary, the available evidence is currently insufficient to determine the role of this variant in disease. Therefore, it has been classified as a Variant of Uncertain Significance. Experimental studies and prediction algorithms are not available or were not evaluated, and the functional significance of this variant is currently unknown.

NM_016148.5(SHANK1):c.4252C>T (p.Arg1418Trp)

Gene: SHANK1 (SH3 and multiple ankyrin repeat domains 1; minus strand). Cytogenetic location: 19q13.33.
Variant type: single nucleotide variant.
Coding change: c.4252C>T on transcript NM_016148.5 (MANE Select); coding-DNA position 4252, C replaced by T.
Protein change: p.Arg1418Trp; replaces arginine 1418 with tryptophan.
Molecular consequence: missense variant.
Genome position (GRCh38, 1-based): chr19:50,667,708, G>A on the plus strand (C>T on the coding strand, the complement: SHANK1 is on the minus strand). VCF-style: chr19-50667708-G-A. GRCh37 (hg19) VCF-style: chr19-51170965-G-A.
Other names: short protein forms R1418W.
Identifiers: ClinVar variation 1965846 (VCV001965846.5), dbSNP rs1457565686, ClinGen allele CA407014852.